The following is an entry in ClinVar:

NM_001182.5(ALDH7A1):c.43A>G (p.Thr15Ala)

Gene: ALDH7A1 (aldehyde dehydrogenase 7 family member A1; minus strand). Cytogenetic location: 5q23.2.
Variant type: single nucleotide variant.
Coding change: c.43A>G on transcript NM_001182.5 (MANE Select); coding-DNA position 43, A replaced by G.
Protein change: p.Thr15Ala; replaces threonine 15 with alanine.
Molecular consequence: missense variant. On other transcripts: 5 prime UTR variant (1).
Genome position (GRCh38, 1-based): chr5:126,595,156, T>C on the plus strand (A>G on the coding strand, the complement: ALDH7A1 is on the minus strand). VCF-style: chr5-126595156-T-C. GRCh37 (hg19) VCF-style: chr5-125930848-T-C.
Other names: c.-42A>G (NM_001201377.2); c.43A>G, p.Thr15Ala (NM_001202404.2); short protein forms T15A.
Identifiers: ClinVar variation 2076655 (VCV002076655.4), dbSNP rs1049211, ClinGen allele CA360733964.

ClinVar aggregate classification (germline): Uncertain significance (1 of 4 stars; one submission).

Conditions:
Pyridoxine-dependent epilepsy (EPEO4). Also called: Pyridoxine-Dependent Seizures; Pyridoxine-Dependent Epilepsy - ALDH7A1; PYRIDOXINE DEPENDENCY WITH SEIZURES; EPILEPSY, EARLY-ONSET, 4, VITAMIN B6-DEPENDENT. Identifiers: Orphanet 3006, MedGen C1849508, MONDO:0009945, OMIM 266100. Disease mechanism: loss of function.

Allele frequency attached by ClinVar (database versions not stated): gnomAD exomes below 0.00001.
gnomAD v4.1: 1 of 1,557,220 alleles (0.000064%); highest among the groups gnomAD compares: Non-Finnish European, 0.000087%; no homozygotes.

Submission:

Labcorp Genetics (formerly Invitae), Labcorp
Classification: Uncertain significance for Pyridoxine-dependent epilepsy. Last evaluated: 2025-06-20. Review status: criteria provided, single submitter. Criteria: Invitae Variant Classification Sherloc (09022015). Collection method: clinical testing. Allele origin: germline.
Comment: This sequence change replaces threonine, which is neutral and polar, with alanine, which is neutral and non-polar, at codon 15 of the ALDH7A1 protein (p.Thr15Ala). This variant is not present in population databases (gnomAD no frequency). This variant has not been reported in the literature in individuals affected with ALDH7A1-related conditions. ClinVar contains an entry for this variant (Variation ID: 2076655). Invitae Evidence Modeling of protein sequence and biophysical properties (such as structural, functional, and spatial information, amino acid conservation, physicochemical variation, residue mobility, and thermodynamic stability) has been performed for this missense variant. However, the output from this modeling did not meet the statistical confidence thresholds required to predict the impact of this variant on ALDH7A1 protein function. In summary, the available evidence is currently insufficient to determine the role of this variant in disease. Therefore, it has been classified as a Variant of Uncertain Significance.